The following is an entry in ClinVar:

NM_000155.4(GALT):c.346C>G (p.Leu116Val)

Gene: GALT (galactose-1-phosphate uridylyltransferase; plus strand). Cytogenetic location: 9p13.3.
Variant type: single nucleotide variant.
Coding change: c.346C>G on transcript NM_000155.4 (MANE Select); coding-DNA position 346, C replaced by G.
Protein change: p.Leu116Val; replaces leucine 116 with valine.
Molecular consequence: missense variant. On other transcripts: intron variant (1).
Genome position (GRCh38, 1-based): chr9:34,647,674, C>G. VCF-style: chr9-34647674-C-G. GRCh37 (hg19) VCF-style: chr9-34647671-C-G.
Other names: c.51-158C>G (NM_001258332.2); short protein forms L116V.
Identifiers: ClinVar variation 1011986 (VCV001011986.9), dbSNP rs1554709252, ClinGen allele CA373280337.
Genomic context (GRCh38, chr9:34,647,674, plus strand): 5'-TTGAGGGACTTCTGCTGCAGAGAGTGATACTCCTTTACCTCAGGACCCAGTGATCATCCC[C>G]TTTTCCAAGCAAAGTCTGCTCGAGGAGTCTGGTAACTATGGATTTCCCCTCTTACAACTT-3'
Protein context (NP_000146.2, residues 106-126): APSPGPSDHP[Leu116Val]FQAKSARGVC

ClinVar aggregate classification (germline): Uncertain significance (1 of 4 stars; one submission).

Conditions:
Deficiency of UDPglucose-hexose-1-phosphate uridylyltransferase. Also called: GALACTOSE-1-PHOSPHATE URIDYLYLTRANSFERASE DEFICIENCY; GALACTOSEMIA I; Transferase Deficiency Galactosemia; GALT deficiency; Galactosemia, classic. Identifiers: Orphanet 352, Orphanet 79239, MedGen C0268151, MONDO:0009258, OMIM 230400.

Submission:

Labcorp Genetics (formerly Invitae), Labcorp
Classification: Uncertain significance for Deficiency of UDPglucose-hexose-1-phosphate uridylyltransferase. Last evaluated: 2023-04-24. Review status: criteria provided, single submitter. Criteria: Invitae Variant Classification Sherloc (09022015). Collection method: clinical testing. Allele origin: germline.
Comment: In summary, the available evidence is currently insufficient to determine the role of this variant in disease. Therefore, it has been classified as a Variant of Uncertain Significance. This variant disrupts the p.Leu116 amino acid residue in GALT. Other variant(s) that disrupt this residue have been observed in individuals with GALT-related conditions (PMID: 20547145, 24045215), which suggests that this may be a clinically significant amino acid residue. Algorithms developed to predict the effect of sequence changes on RNA splicing suggest that this variant may create or strengthen a splice site. Advanced modeling of protein sequence and biophysical properties (such as structural, functional, and spatial information, amino acid conservation, physicochemical variation, residue mobility, and thermodynamic stability) performed at Invitae indicates that this missense variant is expected to disrupt GALT protein function. ClinVar contains an entry for this variant (Variation ID: 1011986). This variant has not been reported in the literature in individuals affected with GALT-related conditions. This variant is not present in population databases (gnomAD no frequency). This sequence change replaces leucine, which is neutral and non-polar, with valine, which is neutral and non-polar, at codon 116 of the GALT protein (p.Leu116Val).

Literature cited by the submitters: PubMed 20547145; PubMed 24045215.